The following is an entry in ClinVar:

NM_032436.4(CHAMP1):c.2079del (p.Ser694fs)

Gene: CHAMP1 (chromosome alignment maintaining phosphoprotein 1; plus strand). Cytogenetic location: 13q34.
Variant type: Deletion.
Coding change: c.2079del on transcript NM_032436.4 (MANE Select); coding-DNA position 2079, one base deleted (C; older notation c.2079delC).
Protein change: p.Ser694fs; shifts the reading frame from serine 694.
Molecular consequence: frameshift variant.
Genome position (GRCh38, 1-based): chr13:114,325,921, C deleted. VCF-style (leftmost placement, unchanged base first): chr13-114325920-TC-T. GRCh37 (hg19) VCF-style: chr13-115091395-TC-T.
Other names: c.2079del, p.Ser694fs (NM_001164144.3, NM_001164145.3); short protein forms S694fs.
Identifiers: ClinVar variation 817883 (VCV000817883.1), dbSNP rs1594132583, ClinGen allele CA915948895.
Genomic context (GRCh38, chr13:114,325,920, plus strand): 5'-TGACTAGTCCAGAGCAGTCTAGAAATGTGCTACAGTTTACTGAAGAAAAAGAAGCTTTTA[TC>T]TCTGAAGAGGAGATTGCAAAATACATGAAGCGTGGAAAAGGAAAGTATTATTGCAAAATT-3'

ClinVar aggregate classification (germline): Pathogenic (1 of 4 stars; one submission).

Submission:

GeneDx
Classification: Pathogenic. Last evaluated: 2018-11-06. Review status: criteria provided, single submitter. Criteria: GeneDx Variant Classification (06012015). Collection method: clinical testing. Allele origin: germline. Affected: yes.
Comment: The c.2079delC pathogenic variant in the CHAMP1 gene causes a frameshift starting with codon Serine 694, changes this amino acid to a Leucine residue and creates a premature Stop codon at position 9 of the new reading frame, denoted p.Ser694LeufsX9. This pathogenic variant is predicted to cause loss of normal protein function through protein truncation as the last 119 amino acids of the protein are lost and replaced with 8 incorrect amino acids. The c.2079delC variant is not observed in large population cohorts (Lek et al., 2016).